The following is an entry in ClinVar:

ClinVar aggregate classification (germline): Likely benign. Review status: criteria provided, multiple submitters, no conflicts (2 of 4 stars). 4 submissions from 4 submitters: Likely benign (3). 1 of the submissions does not count toward it. Last evaluated 2024-03-26.

Conditions:
PIDD1-related disorder. Also called: PIDD1-related condition.
Intellectual developmental disorder, autosomal recessive 75, with neuropsychiatric features and variant lissencephaly (MRT75). Identifiers: MedGen C5676961, MONDO:0030785, OMIM 619827.

Allele frequency attached by ClinVar (database versions not stated): gnomAD exomes 0.00028 and 0.00038; gnomAD 0.00031 and 0.00033; ExAC 0.00038.
gnomAD v4.1: 548 of 1,456,702 alleles (0.038%); highest among the groups gnomAD compares: South Asian, 0.062%; 2 homozygotes.

Submissions (4):

Genomic Medicine Center of Excellence, King Faisal Specialist Hospital and Research Centre
Classification: Likely benign for Intellectual developmental disorder, autosomal recessive 75, with neuropsychiatric features and variant lissencephaly. Last evaluated: 2024-03-26. Review status: criteria provided, single submitter. Criteria: ACMG Guidelines, 2015. Collection method: clinical testing. Allele origin: germline.

Labcorp Genetics (formerly Invitae), Labcorp
Classification: Likely benign. Last evaluated: 2017-12-14. Review status: criteria provided, single submitter. Criteria: Invitae Variant Classification Sherloc (09022015). Collection method: clinical testing. Allele origin: germline.

Breakthrough Genomics
Classification: Likely benign. Review status: criteria provided, single submitter. Criteria: ACMG Guidelines, 2015. Collection method: not provided. Allele origin: germline. Inheritance: Autosomal recessive inheritance. Affected: yes.

PreventionGenetics, part of Exact Sciences
Classification: Likely benign for PIDD1-related condition. Last evaluated: 2020-01-24. Review status: no assertion criteria provided. Collection method: clinical testing. Allele origin: germline. Not counted in ClinVar's aggregate classification.
Comment: This variant is classified as likely benign based on ACMG/AMP sequence variant interpretation guidelines (Richards et al. 2015 PMID: 25741868, with internal and published modifications).

NM_145886.4(PIDD1):c.2042-8T>C

Gene: PIDD1 (p53-induced death domain protein 1; minus strand). Cytogenetic location: 11p15.5.
Variant type: single nucleotide variant.
Coding change: c.2042-8T>C on transcript NM_145886.4 (MANE Select); 8 bases into the intron before coding-DNA position 2042, T replaced by C.
Molecular consequence: intron variant.
Genome position (GRCh38, 1-based): chr11:800,459, A>G on the plus strand (T>C on the coding strand, the complement: PIDD1 is on the minus strand). VCF-style: chr11-800459-A-G. GRCh37 (hg19) VCF-style: chr11-800459-A-G.
Other names: c.2042-8T>C (NM_145887.4).
Identifiers: ClinVar variation 720379 (VCV000720379.7), dbSNP rs200880915, ClinGen allele CA5789741.